The following is an entry in ClinVar:

ClinVar aggregate classification (germline): Likely benign. Review status: criteria provided, multiple submitters, no conflicts (2 of 4 stars). 2 submissions from 2 submitters: Likely benign (2). Last evaluated 2025-11-05.

Conditions:
Peroxisome biogenesis disorder, complementation group K (CGK). Identifiers: MedGen C1866257, MONDO:0800365.

Allele frequency attached by ClinVar (database versions not stated): gnomAD exomes 0.00002; ExAC 0.00003; gnomAD 0.00004 and 0.00005; TOPMed 0.00009; ESP Exome Variant Server 0.00023.
gnomAD v4.1: 18 of 1,604,318 alleles (0.0011%); highest among the groups gnomAD compares: African/African-American, 0.012%; no homozygotes.

Submissions (2):

Labcorp Genetics (formerly Invitae), Labcorp
Classification: Likely benign for Peroxisome biogenesis disorder, complementation group K. Last evaluated: 2025-11-05. Review status: criteria provided, single submitter. Criteria: Invitae Variant Classification Sherloc (09022015). Collection method: clinical testing. Allele origin: germline.

Mayo Clinic Laboratories, Mayo Clinic
Classification: Likely benign. Last evaluated: 2024-12-03. Review status: criteria provided, single submitter. Criteria: ACMG Guidelines, 2015. Collection method: clinical testing. Allele origin: germline. Observed: 3 variant alleles.
Comment: BP4, BP7

NM_004565.3(PEX14):c.36+20C>T

Gene: PEX14 (peroxisomal biogenesis factor 14; plus strand). Cytogenetic location: 1p36.22.
Variant type: single nucleotide variant.
Coding change: c.36+20C>T on transcript NM_004565.3 (MANE Select); 20 bases into the intron after coding-DNA position 36, C replaced by T.
Molecular consequence: intron variant.
Genome position (GRCh38, 1-based): chr1:10,475,022, C>T. VCF-style: chr1-10475022-C-T. GRCh37 (hg19) VCF-style: chr1-10535079-C-T.
Other names: p.?.
Identifiers: ClinVar variation 1582515 (VCV001582515.10), dbSNP rs376946441, ClinGen allele CA583670.